The following is an entry in ClinVar:

ClinVar aggregate classification (germline): Uncertain significance (1 of 4 stars; one submission).

Conditions:
Inborn genetic diseases. Identifiers: MedGen C0950123, MeSH D030342.

Submission:

Ambry Genetics
Classification: Uncertain significance for Inborn genetic diseases. Last evaluated: 2025-01-06. Review status: criteria provided, single submitter. Criteria: Ambry Variant Classification Scheme 2023. Collection method: clinical testing. Allele origin: germline.
Comment: The p.A871D variant (also known as c.2612C>A), located in coding exon 11 of the MECOM gene, results from a C to A substitution at nucleotide position 2612. The alanine at codon 871 is replaced by aspartic acid, an amino acid with dissimilar properties. This amino acid position is conserved. In addition, the in silico prediction for this alteration is inconclusive. Based on the available evidence, the clinical significance of this variant remains unclear.

NM_004991.4(MECOM):c.2612C>A (p.Ala871Asp)

Gene: MECOM (MDS1 and EVI1 complex locus; minus strand). Cytogenetic location: 3q26.2.
Variant type: single nucleotide variant.
Coding change: c.2612C>A on transcript NM_004991.4 (MANE Select); coding-DNA position 2612, C replaced by A.
Protein change: p.Ala871Asp; replaces alanine 871 with aspartic acid.
Molecular consequence: missense variant.
Genome position (GRCh38, 1-based): chr3:169,102,219, G>T on the plus strand (C>A on the coding strand, the complement: MECOM is on the minus strand). VCF-style: chr3-169102219-G-T. GRCh37 (hg19) VCF-style: chr3-168820007-G-T.
Other names: c.2243C>A, p.Ala748Asp (NM_001105077.4); c.2048C>A, p.Ala683Asp (NM_001105078.4, NM_001205194.2, NM_001366469.2 and 1 more transcripts); c.2024C>A, p.Ala675Asp (NM_001163999.2, NM_001366470.2); c.2021C>A, p.Ala674Asp (NM_001164000.2, NM_001366471.2, NM_001366472.2); c.2585C>A, p.Ala862Asp (NM_001366466.2); c.2051C>A, p.Ala684Asp (NM_001366467.2, NM_001366468.2); c.1613C>A, p.Ala538Asp (NM_001366473.2); c.1049C>A, p.Ala350Asp (NM_001366474.2); short protein forms A862D, A350D, A674D, A683D, A675D, A684D, A748D, A871D.
Identifiers: ClinVar variation 3871675 (VCV003871675.1).